The following is an entry in ClinVar:

ClinVar aggregate classification (germline): Pathogenic (1 of 4 stars; one submission).

Conditions:
Glycogen storage disease, type II (IOPD). Also called: Glucosidase acid-1,4-alpha deficiency; Pompe Disease; GLYCOGENOSIS, GENERALIZED, CARDIAC FORM; GSD II; POMPE DISEASE, INFANTILE-ONSET; GLYCOGEN STORAGE DISEASE II, INFANTILE-ONSET. Identifiers: Orphanet 365, MedGen C0017921, MONDO:0009290, OMIM 232300.

Submission:

Labcorp Genetics (formerly Invitae), Labcorp
Classification: Pathogenic for Glycogen storage disease, type II. Last evaluated: 2022-10-28. Review status: criteria provided, single submitter. Criteria: Invitae Variant Classification Sherloc (09022015). Collection method: clinical testing. Allele origin: germline.
Comment: This sequence change creates a premature translational stop signal (p.Ala912Argfs*31) in the GAA gene. While this is not anticipated to result in nonsense mediated decay, it is expected to disrupt the last 41 amino acid(s) of the GAA protein. This variant is present in population databases (no rsID available, gnomAD 0.003%). This variant has not been reported in the literature in individuals affected with GAA-related conditions. This variant disrupts a region of the GAA protein in which other variant(s) (p.Tyr928Cys) have been determined to be pathogenic (PMID: 33741225). This suggests that this is a clinically significant region of the protein, and that variants that disrupt it are likely to be disease-causing. For these reasons, this variant has been classified as Pathogenic.

Literature cited by the submitters: PubMed 33741225.

NM_000152.5(GAA):c.2734del (p.Ala912fs)

Gene: GAA (alpha glucosidase; plus strand). Cytogenetic location: 17q25.3.
Variant type: Deletion.
Coding change: c.2734del on transcript NM_000152.5 (MANE Select); coding-DNA position 2734, one base deleted (G; older notation c.2734delG).
Protein change: p.Ala912fs; shifts the reading frame from alanine 912.
Molecular consequence: frameshift variant.
Genome position (GRCh38, 1-based): chr17:80,118,740, G deleted; the last of 2 consecutive G bases (chr17:80,118,739-80,118,740); deleting either gives the same sequence. VCF-style (leftmost placement, unchanged base first): chr17-80118738-CG-C. GRCh37 (hg19) VCF-style: chr17-78092537-CG-C.
Other names: c.2734del, p.Ala912fs (NM_001079803.3, NM_001079804.3); c.2734delG, p.Ala912Argfs (NM_001406741.1, NM_001406742.1); short protein forms A912fs.
Identifiers: ClinVar variation 1923711 (VCV001923711.5), dbSNP rs2510404583, ClinGen allele CA628018720.